The following is an entry in ClinVar:

NM_002880.4(RAF1):c.1057A>G (p.Thr353Ala)

Gene: RAF1 (Raf-1 proto-oncogene, serine/threonine kinase; minus strand). Cytogenetic location: 3p25.2.
Variant type: single nucleotide variant.
Coding change: c.1057A>G on transcript NM_002880.4 (MANE Select); coding-DNA position 1057, A replaced by G.
Protein change: p.Thr353Ala; replaces threonine 353 with alanine.
Molecular consequence: missense variant. On other transcripts: non-coding transcript variant (3).
Genome position (GRCh38, 1-based): chr3:12,599,742, T>C on the plus strand (A>G on the coding strand, the complement: RAF1 is on the minus strand). VCF-style: chr3-12599742-T-C. GRCh37 (hg19) VCF-style: chr3-12641241-T-C.
Other names: c.1057A>G, p.Thr353Ala (NM_001354690.3); c.814A>G, p.Thr272Ala (NM_001354691.3, NM_001354692.3); c.958A>G, p.Thr320Ala (NM_001354693.3); c.874A>G, p.Thr292Ala (NM_001354694.3); c.715A>G, p.Thr239Ala (NM_001354695.3); c.1117A>G, p.Thr373Ala (NM_001354689.3); short protein forms T292A, T353A, T239A, T272A, T320A, T373A.
Identifiers: ClinVar variation 1487109 (VCV001487109.6), dbSNP rs946464136, ClinGen allele CA69616400.

ClinVar aggregate classification (germline): Uncertain significance (1 of 4 stars; one submission).

Conditions:
RASopathy. Also called: rasopathies; Noonan spectrum disorder. Identifiers: Orphanet 536391, MedGen C5555857, MONDO:0021060.

Allele frequency attached by ClinVar (database versions not stated): TOPMed below 0.00001.

Submission:

Labcorp Genetics (formerly Invitae), Labcorp
Classification: Uncertain significance for RASopathy. Last evaluated: 2021-11-08. Review status: criteria provided, single submitter. Criteria: Invitae Variant Classification Sherloc (09022015). Collection method: clinical testing. Allele origin: germline.
Comment: This variant is not present in population databases (gnomAD no frequency). In summary, the available evidence is currently insufficient to determine the role of this variant in disease. Therefore, it has been classified as a Variant of Uncertain Significance. Advanced modeling of protein sequence and biophysical properties (such as structural, functional, and spatial information, amino acid conservation, physicochemical variation, residue mobility, and thermodynamic stability) performed at Invitae indicates that this missense variant is not expected to disrupt RAF1 protein function. This variant has not been reported in the literature in individuals affected with RAF1-related conditions. This sequence change replaces threonine, which is neutral and polar, with alanine, which is neutral and non-polar, at codon 353 of the RAF1 protein (p.Thr353Ala).